The following is an entry in ClinVar:

ClinVar aggregate classification (germline): Uncertain significance (1 of 4 stars; one submission).

Conditions:
Progressive familial heart block type IB (PFHB1B). Identifiers: Orphanet 871, MedGen C1970298, MONDO:0011474, OMIM 604559.

Submission:

Labcorp Genetics (formerly Invitae), Labcorp
Classification: Uncertain significance for Progressive familial heart block type IB. Last evaluated: 2022-10-13. Review status: criteria provided, single submitter. Criteria: Invitae Variant Classification Sherloc (09022015). Collection method: clinical testing. Allele origin: germline.
Comment: Algorithms developed to predict the effect of missense changes on protein structure and function (SIFT, PolyPhen-2, Align-GVGD) all suggest that this variant is likely to be tolerated. This sequence change replaces alanine, which is neutral and non-polar, with valine, which is neutral and non-polar, at codon 610 of the TRPM4 protein (p.Ala610Val). This variant is not present in population databases (gnomAD no frequency). This variant has not been reported in the literature in individuals affected with TRPM4-related conditions. In summary, the available evidence is currently insufficient to determine the role of this variant in disease. Therefore, it has been classified as a Variant of Uncertain Significance.

NM_017636.4(TRPM4):c.1829C>T (p.Ala610Val)

Gene: TRPM4 (transient receptor potential cation channel subfamily M member 4; plus strand). Cytogenetic location: 19q13.33.
Variant type: single nucleotide variant.
Coding change: c.1829C>T on transcript NM_017636.4 (MANE Select); coding-DNA position 1829, C replaced by T.
Protein change: p.Ala610Val; replaces alanine 610 with valine.
Molecular consequence: missense variant.
Genome position (GRCh38, 1-based): chr19:49,188,726, C>T. VCF-style: chr19-49188726-C-T. GRCh37 (hg19) VCF-style: chr19-49691983-C-T.
Other names: c.1829C>T, p.Ala610Val (NM_001195227.2); c.1484C>T, p.Ala495Val (NM_001321281.2); c.221C>T, p.Ala74Val (NM_001321282.2); c.1307C>T, p.Ala436Val (NM_001321283.2); c.767C>T, p.Ala256Val (NM_001321285.2); short protein forms A256V, A436V, A495V, A610V, A74V.
Identifiers: ClinVar variation 1721512 (VCV001721512.5), dbSNP rs2514141793, ClinGen allele CA406803121.